The following is an entry in ClinVar:

NM_181675.4(PPP2R2B):c.1114G>C (p.Asp372His)

Genes: CTB-99A3.1 (uncharacterized CTB-99A3.1; plus strand), PPP2R2B (protein phosphatase 2 regulatory subunit Bbeta; minus strand). Cytogenetic location: 5q32.
Variant type: single nucleotide variant.
Coding change: c.1114G>C on transcript NM_181675.4 (MANE Select); coding-DNA position 1114, G replaced by C.
Protein change: p.Asp372His; replaces aspartic acid 372 with histidine.
Molecular consequence: missense variant. On other transcripts: non-coding transcript variant (2).
Genome position (GRCh38, 1-based): chr5:146,590,165, C>G on the plus strand (G>C on the coding strand, the complement: PPP2R2B is on the minus strand). VCF-style: chr5-146590165-C-G. GRCh37 (hg19) VCF-style: chr5-145969728-C-G.
Other names: c.1114G>C, p.Asp372His (NM_001127381.1, NM_004576.2); c.1132G>C, p.Asp378His (NM_001271899.1); c.1288G>C, p.Asp430His (NM_001271900.2); c.1081G>C, p.Asp361His (NM_001271948.2, NM_181678.2); c.1312G>C, p.Asp438His (NM_181674.3); c.1123G>C, p.Asp375His (NM_181676.3); c.1054G>C, p.Asp352His (NM_181677.2); short protein forms D352H, D361H, D372H, D375H, D378H, D430H, D438H.
Identifiers: ClinVar variation 2662862 (VCV002662862.1), dbSNP rs2482681533, ClinGen allele CA361879243.

ClinVar aggregate classification (germline): Uncertain significance (1 of 4 stars; one submission).

Submission:

GeneDx
Classification: Uncertain significance. Last evaluated: 2023-04-25. Review status: criteria provided, single submitter. Criteria: GeneDx Variant Classification Process June 2021. Collection method: clinical testing. Allele origin: germline. Affected: yes.
Comment: Not observed at significant frequency in large population cohorts (gnomAD); In silico analysis supports that this missense variant has a deleterious effect on protein structure/function; Has not been previously published as pathogenic or benign to our knowledge